The following is an entry in ClinVar:

NM_000070.3(CAPN3):c.661G>A (p.Gly221Ser)

Gene: CAPN3 (calpain 3; plus strand). Cytogenetic location: 15q15.1.
Variant type: single nucleotide variant.
Coding change: c.661G>A on transcript NM_000070.3 (MANE Select); coding-DNA position 661, G replaced by A.
Protein change: p.Gly221Ser; replaces glycine 221 with serine.
Molecular consequence: missense variant.
Genome position (GRCh38, 1-based): chr15:42,388,956, G>A. VCF-style: chr15-42388956-G-A. GRCh37 (hg19) VCF-style: chr15-42681154-G-A.
Other names: c.661G>A, p.Gly221Ser (NM_024344.2, NM_173087.2); short protein forms G221S.
Identifiers: ClinVar variation 1492032 (VCV001492032.7), dbSNP rs1432632972, ClinGen allele CA391998101.

ClinVar aggregate classification (germline): Likely pathogenic (1 of 4 stars; one submission).

Conditions:
Autosomal recessive limb-girdle muscular dystrophy type 2A (LGMDR1). Also called: Limb-girdle muscular dystrophy, type 2A; LEYDEN-MOEBIUS MUSCULAR DYSTROPHY; MUSCULAR DYSTROPHY, PELVOFEMORAL; Muscular dystrophy, limb-girdle, type 2A, Amish; Calpainopathy. Identifiers: Orphanet 267, MedGen C1869123, MONDO:0009675, OMIM 253600. Disease mechanism: loss of function.

Allele frequency attached by ClinVar (database versions not stated): gnomAD exomes below 0.00001; TOPMed below 0.00001.
gnomAD v4.1: 2 of 1,614,068 alleles (0.00012%); highest among the groups gnomAD compares: African/African-American, 0.0013%; no homozygotes.

Submission:

Labcorp Genetics (formerly Invitae), Labcorp
Classification: Likely pathogenic for Autosomal recessive limb-girdle muscular dystrophy type 2A. Last evaluated: 2021-05-28. Review status: criteria provided, single submitter. Criteria: Invitae Variant Classification Sherloc (09022015). Collection method: clinical testing. Allele origin: germline.
Comment: Advanced modeling of protein sequence and biophysical properties (such as structural, functional, and spatial information, amino acid conservation, physicochemical variation, residue mobility, and thermodynamic stability) performed at Invitae indicates that this missense variant is expected to disrupt CAPN3 protein function. This variant disrupts the p.Gly221 amino acid residue in CAPN3. Other variant(s) that disrupt this residue have been observed in individuals with CAPN3-related conditions (PMID: 17994539, 29970176), which suggests that this may be a clinically significant amino acid residue. In summary, the currently available evidence indicates that the variant is pathogenic, but additional data are needed to prove that conclusively. Therefore, this variant has been classified as Likely Pathogenic. This variant has been observed in individual(s) with clinical features of autosomal recessive limb-girdle muscular dystrophy (PMID: 26484845, 29970176). This sequence change replaces glycine with serine at codon 221 of the CAPN3 protein (p.Gly221Ser). The glycine residue is highly conserved and there is a small physicochemical difference between glycine and serine. This variant is not present in population databases (ExAC no frequency).

Literature cited by the submitters: PubMed 17994539; PubMed 29970176; PubMed 26484845.